The following is an entry in ClinVar:

ClinVar aggregate classification (germline): Uncertain significance (1 of 4 stars; one submission).

Submission:

GeneDx
Classification: Uncertain significance. Last evaluated: 2026-04-16. Review status: criteria provided, single submitter. Criteria: GeneDx Variant Classification Process June 2021. Collection method: clinical testing. Allele origin: germline.
Comment: Not observed at significant frequency in large population cohorts (gnomAD); In silico analysis supports a deleterious effect on splicing; In silico analysis supports that this missense variant has a deleterious effect on protein structure/function; Has not been previously published as pathogenic or benign to our knowledge

NM_006922.4(SCN3A):c.2018A>G (p.Glu673Gly)

Gene: SCN3A (sodium voltage-gated channel alpha subunit 3; minus strand). Cytogenetic location: 2q24.3.
Variant type: single nucleotide variant.
Coding change: c.2018A>G on transcript NM_006922.4 (MANE Select); coding-DNA position 2018, A replaced by G.
Protein change: p.Glu673Gly; replaces glutamic acid 673 with glycine.
Molecular consequence: missense variant. On other transcripts: intron variant (2).
Genome position (GRCh38, 1-based): chr2:165,140,652, T>C on the plus strand (A>G on the coding strand, the complement: SCN3A is on the minus strand). VCF-style: chr2-165140652-T-C. GRCh37 (hg19) VCF-style: chr2-165997162-T-C.
Other names: c.1872+146A>G (NM_001081676.2, NM_001081677.2); short protein forms E673G.
Identifiers: ClinVar variation 5037209 (VCV005037209.1).